The following is an entry in ClinVar:

NM_005908.4(MANBA):c.739G>A (p.Val247Ile)

Gene: MANBA (mannosidase beta; minus strand). Cytogenetic location: 4q24.
Variant type: single nucleotide variant.
Coding change: c.739G>A on transcript NM_005908.4 (MANE Select); coding-DNA position 739, G replaced by A.
Protein change: p.Val247Ile; replaces valine 247 with isoleucine.
Molecular consequence: missense variant.
Genome position (GRCh38, 1-based): chr4:102,690,706, C>T on the plus strand (G>A on the coding strand, the complement: MANBA is on the minus strand). VCF-style: chr4-102690706-C-T. GRCh37 (hg19) VCF-style: chr4-103611863-C-T.
Other names: short protein forms V247I.
Identifiers: ClinVar variation 4743332 (VCV004743332.1).

ClinVar aggregate classification (germline): Uncertain significance (1 of 4 stars; one submission).

Conditions:
Beta-D-mannosidosis (MANSB). Also called: MANNOSIDOSIS, BETA A, LYSOSOMAL; BETA-MANNOSIDASE DEFICIENCY; LYSOSOMAL BETA-MANNOSIDASE DEFICIENCY; Beta-Mannosidosis. Identifiers: Orphanet 118, MedGen C4048196, MONDO:0009562, OMIM 248510.

Submission:

Labcorp Genetics (formerly Invitae), Labcorp
Classification: Uncertain significance for Beta-D-mannosidosis. Last evaluated: 2025-03-13. Review status: criteria provided, single submitter. Criteria: Invitae Variant Classification Sherloc (09022015). Collection method: clinical testing. Allele origin: germline.
Comment: This sequence change replaces valine, which is neutral and non-polar, with isoleucine, which is neutral and non-polar, at codon 247 of the MANBA protein (p.Val247Ile). This variant is not present in population databases (gnomAD no frequency). This variant has not been reported in the literature in individuals affected with MANBA-related conditions. Invitae Evidence Modeling of protein sequence and biophysical properties (such as structural, functional, and spatial information, amino acid conservation, physicochemical variation, residue mobility, and thermodynamic stability) indicates that this missense variant is not expected to disrupt MANBA protein function with a negative predictive value of 80%. In summary, the available evidence is currently insufficient to determine the role of this variant in disease. Therefore, it has been classified as a Variant of Uncertain Significance.